The following is an entry in ClinVar:

ClinVar aggregate classification (germline): Uncertain significance (1 of 4 stars; one submission).

Allele frequency attached by ClinVar (database versions not stated): gnomAD exomes below 0.00001; TOPMed below 0.00001.
gnomAD v4.1: 3 of 1,608,044 alleles (0.00019%); highest among the groups gnomAD compares: Non-Finnish European, 0.00026%; no homozygotes.

Submission:

Labcorp Genetics (formerly Invitae), Labcorp
Classification: Uncertain significance. Last evaluated: 2024-01-02. Review status: criteria provided, single submitter. Criteria: Invitae Variant Classification Sherloc (09022015). Collection method: clinical testing. Allele origin: germline.
Comment: This sequence change replaces isoleucine, which is neutral and non-polar, with valine, which is neutral and non-polar, at codon 1239 of the ELP1 protein (p.Ile1239Val). This variant is present in population databases (no rsID available, gnomAD 0.0009%). This variant has not been reported in the literature in individuals affected with ELP1-related conditions. Advanced modeling of protein sequence and biophysical properties (such as structural, functional, and spatial information, amino acid conservation, physicochemical variation, residue mobility, and thermodynamic stability) performed at Invitae indicates that this missense variant is not expected to disrupt ELP1 protein function with a negative predictive value of 80%. In summary, the available evidence is currently insufficient to determine the role of this variant in disease. Therefore, it has been classified as a Variant of Uncertain Significance.

NM_003640.5(ELP1):c.3715A>G (p.Ile1239Val)

Gene: ELP1 (elongator acetyltransferase complex subunit 1; minus strand). Cytogenetic location: 9q31.3.
Variant type: single nucleotide variant.
Coding change: c.3715A>G on transcript NM_003640.5 (MANE Select); coding-DNA position 3715, A replaced by G.
Protein change: p.Ile1239Val; replaces isoleucine 1239 with valine.
Molecular consequence: missense variant.
Genome position (GRCh38, 1-based): chr9:108,878,135, T>C on the plus strand (A>G on the coding strand, the complement: ELP1 is on the minus strand). VCF-style: chr9-108878135-T-C. GRCh37 (hg19) VCF-style: chr9-111640415-T-C.
Other names: c.3373A>G, p.Ile1125Val (NM_001318360.2); c.2668A>G, p.Ile890Val (NM_001330749.2); short protein forms I1125V, I1239V, I890V.
Identifiers: ClinVar variation 2887768 (VCV002887768.3), dbSNP rs1407768469, ClinGen allele CA374410827.
Genomic context (GRCh38, chr9:108,878,135, plus strand): 5'-AGGCCTTCTGTAATTCCCTTCCTTGTTCATCAAACTCAAAGAGAAAGAGTACCTTTAAAA[T>C]ATGGTATACTTCATCTAGAGAGAAGAAATTTGAAAGAGTGGTAAGTTATATTCCCAGCTC-3'
Protein context (NP_003631.2, residues 1229-1249): TENLKDEVYH[Ile1239Val]LKVLFLFEFD